The following is an entry in ClinVar:

ClinVar aggregate classification (germline): Benign. Review status: criteria provided, multiple submitters, no conflicts (2 of 4 stars). 2 submissions from 2 submitters: Benign (2). Last evaluated 2018-06-16.

Allele frequency attached by ClinVar (database versions not stated): gnomAD exomes 0.57180; 1000 Genomes Project 0.59784; 1000 Genomes Project 30x 0.60212; gnomAD 0.62646 and 0.63734; TOPMed 0.63343.
gnomAD v4.1: 867,841 of 1,502,864 alleles (58%); highest among the groups gnomAD compares: African/African-American, 80%; 253,985 homozygotes.

Submissions (2):

GeneDx
Classification: Benign. Last evaluated: 2018-06-16. Review status: criteria provided, single submitter. Criteria: GeneDx Variant Classification (06012015). Collection method: clinical testing. Allele origin: germline. Affected: yes.
Comment: This variant is considered likely benign or benign based on one or more of the following criteria: it is a conservative change, it occurs at a poorly conserved position in the protein, it is predicted to be benign by multiple in silico algorithms, and/or has population frequency not consistent with disease.

Breakthrough Genomics
Classification: Benign. Review status: criteria provided, single submitter. Criteria: ACMG Guidelines, 2015. Collection method: not provided. Allele origin: germline. Inheritance: Autosomal recessive inheritance. Affected: yes.

NM_001184.4(ATR):c.2634-74C>T

Gene: ATR (ATR checkpoint kinase; minus strand). Cytogenetic location: 3q23.
Variant type: single nucleotide variant.
Coding change: c.2634-74C>T on transcript NM_001184.4 (MANE Select); 74 bases into the intron before coding-DNA position 2634, C replaced by T.
Molecular consequence: intron variant.
Genome position (GRCh38, 1-based): chr3:142,553,472, G>A on the plus strand (C>T on the coding strand, the complement: ATR is on the minus strand). VCF-style: chr3-142553472-G-A. GRCh37 (hg19) VCF-style: chr3-142272314-G-A.
Other names: c.2442-74C>T (NM_001354579.2).
Identifiers: ClinVar variation 670440 (VCV000670440.2), dbSNP rs9869842, ClinGen allele CA16160046.